The following is an entry in ClinVar:

NM_006648.4(WNK2):c.187C>G (p.Pro63Ala)

Gene: WNK2 (WNK lysine deficient protein kinase 2; plus strand). Cytogenetic location: 9q22.31.
Variant type: single nucleotide variant.
Coding change: c.187C>G on transcript NM_006648.4 (MANE Select); coding-DNA position 187, C replaced by G.
Protein change: p.Pro63Ala; replaces proline 63 with alanine.
Molecular consequence: missense variant.
Genome position (GRCh38, 1-based): chr9:93,185,116, C>G. VCF-style: chr9-93185116-C-G. GRCh37 (hg19) VCF-style: chr9-95947398-C-G.
Other names: c.187C>G, p.Pro63Ala (NM_001282394.3); short protein forms P63A.
Identifiers: ClinVar variation 3816578 (VCV003816578.1).

ClinVar aggregate classification (germline): Uncertain significance (1 of 4 stars; one submission).

Submission:

Ambry Genetics
Classification: Uncertain significance. Last evaluated: 2024-12-21. Review status: criteria provided, single submitter. Criteria: Ambry Variant Classification Scheme 2023. Collection method: clinical testing. Allele origin: germline.
Comment: The p.P63A variant (also known as c.187C>G), located in coding exon 1 of the WNK2 gene, results from a C to G substitution at nucleotide position 187. The proline at codon 63 is replaced by alanine, an amino acid with highly similar properties. This amino acid position is conserved. In addition, this alteration is predicted to be tolerated by in silico analysis. Based on the available evidence, the clinical significance of this variant remains unclear.